The following is an entry in ClinVar:

NM_000551.4(VHL):c.163del (p.Glu55fs)

Gene: VHL (von Hippel-Lindau tumor suppressor; plus strand). Cytogenetic location: 3p25.3.
Variant type: Deletion.
Coding change: c.163del on transcript NM_000551.4 (MANE Select); coding-DNA position 163, one base deleted (G; older notation c.163delG).
Protein change: p.Glu55fs; shifts the reading frame from glutamic acid 55.
Molecular consequence: frameshift variant.
Genome position (GRCh38, 1-based): chr3:10,142,010, G deleted; the last of 2 consecutive G bases (chr3:10,142,009-10,142,010); deleting either gives the same sequence. VCF-style (leftmost placement, unchanged base first): chr3-10142008-TG-T. GRCh37 (hg19) VCF-style: chr3-10183692-TG-T.
Other names: c.163del, p.Glu55fs (NM_001354723.2, NM_198156.3); c.163delG (NM_000551.3); short protein forms E55fs.
Identifiers: ClinVar variation 428800 (VCV000428800.5), dbSNP rs869025615, ClinGen allele CA432536363.

ClinVar aggregate classification (germline): Pathogenic (1 of 4 stars; one submission).

Conditions:
Hereditary cancer-predisposing syndrome. Also called: Hereditary Cancer Syndrome; Neoplastic Syndromes, Hereditary; Hereditary neoplastic syndrome; Tumor predisposition. Identifiers: Orphanet 140162, MedGen C0027672, MeSH D009386, MONDO:0015356.

Submission:

Ambry Genetics
Classification: Pathogenic for Hereditary cancer-predisposing syndrome. Last evaluated: 2016-11-23. Review status: criteria provided, single submitter. Criteria: Ambry Variant Classification Scheme 2023. Collection method: clinical testing. Allele origin: germline.
Comment: The c.163delG pathogenic mutation, located in coding exon 1 of the VHL gene, results from a deletion of one nucleotide at nucleotide position 163, causing a translational frameshift with a predicted alternate stop codon. This mutation, designated as 376delG, has been reported in an individual with clinical features of von Hippel-Lindau syndrome (VHL) (Chen F et al. Hum. Mutat., 1995;5:66-75). Additionally, mRNA studies in Drosophila strains with this mutation confirmed that this frameshift alteration triggers nonsense-mediated decay (Micale L et al. J. Biomed. Biotechnol., 2009 Jan;2009:860761). This alteration is expected to result in loss of function by premature protein truncation or nonsense-mediated mRNA decay. As such, this alteration is interpreted as a disease-causing mutation.

Literature cited by the submitters: PubMed 20145706; PubMed 27530247; PubMed 7728151; PubMed 8829648.